The following is an entry in ClinVar:

NM_000539.3(RHO):c.647T>A (p.Met216Lys)

Gene: RHO (rhodopsin; plus strand). Cytogenetic location: 3q22.1.
Variant type: single nucleotide variant.
Coding change: c.647T>A on transcript NM_000539.3 (MANE Select); coding-DNA position 647, T replaced by A.
Protein change: p.Met216Lys; replaces methionine 216 with lysine.
Molecular consequence: missense variant.
Genome position (GRCh38, 1-based): chr3:129,532,367, T>A. VCF-style: chr3-129532367-T-A. GRCh37 (hg19) VCF-style: chr3-129251210-T-A.
Other names: short protein forms M216K.
Identifiers: ClinVar variation 865880 (VCV000865880.55), dbSNP rs984572250, ClinGen allele CA354469952.

ClinVar aggregate classification (germline): Pathogenic/Likely pathogenic. Review status: criteria provided, multiple submitters, no conflicts (2 of 4 stars). 7 submissions from 7 submitters: Pathogenic (4); Likely pathogenic (2). 1 of the submissions does not count toward it. Last evaluated 2025-08-12.

Conditions:
RHO-related disorder. Also called: RHO-related condition.
Retinal dystrophy. Also called: Inherited retinal dystrophy. Identifiers: Orphanet 71862, MedGen C0854723, MeSH D058499, MONDO:0019118, HP:0000556.
Retinitis pigmentosa 4 (RP4). Also called: RETINITIS PIGMENTOSA, RHODOPSIN-RELATED. Identifiers: Orphanet 791, MedGen C3151001, MONDO:0013395, OMIM 613731.
Congenital stationary night blindness autosomal dominant 1. Also called: NIGHT BLINDNESS, CONGENITAL STATIONARY, RHODOPSIN-RELATED. Identifiers: Orphanet 215, MedGen C1864869, MONDO:0012498, OMIM 610445.

Submissions (7):

Labcorp Genetics (formerly Invitae), Labcorp
Classification: Pathogenic. Last evaluated: 2025-08-12. Review status: criteria provided, single submitter. Criteria: Invitae Variant Classification Sherloc (09022015). Collection method: clinical testing. Allele origin: germline.
Comment: This sequence change replaces methionine, which is neutral and non-polar, with lysine, which is basic and polar, at codon 216 of the RHO protein (p.Met216Lys). This variant is not present in population databases (gnomAD no frequency). This missense change has been observed in individuals with autosomal dominant retinitis pigmentosa (PMID: 8081400; internal data). ClinVar contains an entry for this variant (Variation ID: 865880). Invitae Evidence Modeling of protein sequence and biophysical properties (such as structural, functional, and spatial information, amino acid conservation, physicochemical variation, residue mobility, and thermodynamic stability) indicates that this missense variant is expected to disrupt RHO protein function with a positive predictive value of 95%. Experimental studies have shown that this missense change affects RHO function (PMID: 30977563). This variant disrupts the p.Met216 amino acid residue in RHO. Other variant(s) that disrupt this residue have been observed in individuals with RHO-related conditions (PMID: 8081400, 22321012, 26962691), which suggests that this may be a clinically significant amino acid residue. For these reasons, this variant has been classified as Pathogenic.

Blueprint Genetics
Classification: Pathogenic for RHO-related disorders. Last evaluated: 2022-11-10. Review status: criteria provided, single submitter. Criteria: ACMG Guidelines, 2015. Collection method: clinical testing. Allele origin: germline. Affected: yes. Observed: 5 variant alleles.

Ocular Genomics Institute, Massachusetts Eye and Ear
Classification: Likely pathogenic for Retinitis pigmentosa 4. Last evaluated: 2021-04-08. Review status: criteria provided, single submitter. Criteria: ACMG Guidelines, 2015. Collection method: research. Allele origin: germline. Affected: yes.
Comment: Through a review of available evidence we were able to apply the following criteria: PM2, PS3, PM1. Based on this evidence we have classified this variant as Likely Pathogenic.

Centre for Genomic Medicine, Manchester, Central Manchester University Hospitals
Classification: Likely pathogenic for Retinitis pigmentosa 4. Last evaluated: 2020-09-01. Review status: criteria provided, single submitter. Criteria: ACMG Guidelines, 2015. Collection method: clinical testing. Allele origin: germline. Affected: yes. Observed: 3 heterozygotes.

CeGaT Center for Human Genetics Tuebingen
Classification: Pathogenic. Last evaluated: 2018-01-01. Review status: criteria provided, single submitter. Criteria: CeGaT Center For Human Genetics Tuebingen Variant Classification Criteria Version 2. Collection method: clinical testing. Allele origin: germline. Affected: yes. Observed: 1 variant allele.

Institute of Human Genetics, Univ. Regensburg, Univ. Regensburg
Classification: Pathogenic for Retinal dystrophy. Last evaluated: 2018-01-01. Review status: criteria provided, single submitter. Criteria: ACMG Guidelines, 2015. Collection method: clinical testing. Allele origin: germline. Affected: yes.

Genomics England Pilot Project, Genomics England
Classification: Likely pathogenic for Congenital stationary night blindness autosomal dominant 1. Review status: no assertion criteria provided. Criteria: ACGS Guidelines, 2016. Collection method: clinical testing. Allele origin: germline. Affected: yes. Not counted in ClinVar's aggregate classification.

Literature cited by the submitters: PubMed 8081400 (cited by 3 submitters); PubMed 30977563 (cited by 3 submitters); PubMed 22321012 (cited by Labcorp Genetics (formerly Invitae), Labcorp and Ocular Genomics Institute, Massachusetts Eye and Ear); PubMed 26962691 (cited by Labcorp Genetics (formerly Invitae), Labcorp and Ocular Genomics Institute, Massachusetts Eye and Ear); PubMed 21094163 (cited by Ocular Genomics Institute, Massachusetts Eye and Ear and Institute of Human Genetics, Univ. Regensburg, Univ. Regensburg); PubMed 32531858 (cited by Institute of Human Genetics, Univ. Regensburg, Univ. Regensburg); PubMed 34758253 (cited by Institute of Human Genetics, Univ. Regensburg, Univ. Regensburg).